The following is an entry in ClinVar:

ClinVar aggregate classification (germline): Uncertain significance (1 of 4 stars; one submission).

Allele frequency attached by ClinVar (database versions not stated): gnomAD exomes below 0.00001; ExAC 0.00001; ESP Exome Variant Server 0.00008.
gnomAD v4.1: 1 of 1,591,908 alleles (0.000063%); highest among the groups gnomAD compares: Non-Finnish European, 0.000086%; no homozygotes.

Submission:

Labcorp Genetics (formerly Invitae), Labcorp
Classification: Uncertain significance. Last evaluated: 2022-07-29. Review status: criteria provided, single submitter. Criteria: Invitae Variant Classification Sherloc (09022015). Collection method: clinical testing. Allele origin: germline.
Comment: This variant has not been reported in the literature in individuals affected with DDX58-related conditions. In summary, the available evidence is currently insufficient to determine the role of this variant in disease. Therefore, it has been classified as a Variant of Uncertain Significance. Variants that disrupt the consensus splice site are a relatively common cause of aberrant splicing (PMID: 17576681, 9536098). Algorithms developed to predict the effect of sequence changes on RNA splicing suggest that this variant is not likely to affect RNA splicing. This variant is not present in population databases (gnomAD no frequency). This sequence change falls in intron 12 of the DDX58 gene. It does not directly change the encoded amino acid sequence of the DDX58 protein. It affects a nucleotide within the consensus splice site.

Literature cited by the submitters: PubMed 17576681; PubMed 9536098.

NM_014314.4(RIGI):c.1774+6T>C

Gene: RIGI (RNA sensor RIG-I; minus strand). Cytogenetic location: 9p21.1.
Variant type: single nucleotide variant.
Coding change: c.1774+6T>C on transcript NM_014314.4 (MANE Select); 6 bases into the intron after coding-DNA position 1774, T replaced by C.
Molecular consequence: intron variant.
Genome position (GRCh38, 1-based): chr9:32,480,213, A>G on the plus strand (T>C on the coding strand, the complement: RIGI is on the minus strand). VCF-style: chr9-32480213-A-G. GRCh37 (hg19) VCF-style: chr9-32480211-A-G.
Other names: c.1165+6T>C (NM_001385912.1); c.1759+6T>C (NM_001385913.1); c.1768+6T>C (NM_001385907.1); c.1774+6T>C (NM_001385909.1); c.1330+6T>C (NM_001385914.1); c.1333+6T>C (NM_001385910.1).
Identifiers: ClinVar variation 2020088 (VCV002020088.4), dbSNP rs367851160, ClinGen allele CA5019694.